The following is an entry in ClinVar:

NM_001004334.4(GPR179):c.4730_4753dup (p.Glu1584_Ala1585insAspLeuArgProGluAlaGlnGlu)

Gene: GPR179 (G protein-coupled receptor 179; minus strand). Cytogenetic location: 17q12.
Variant type: Duplication.
Coding change: c.4730_4753dup on transcript NM_001004334.4 (MANE Select); coding-DNA positions 4730 to 4753, 24 bases duplicated (ATCTCAGGCCGGAGGCACAGGAAG).
Protein change: p.Glu1584_Ala1585insAspLeuArgProGluAlaGlnGlu.
Molecular consequence: inframe insertion.
Genome position (GRCh38, 1-based): chr17:38,328,816-38,328,839, CTTCCTGTGCCTCCGGCCTGAGAT duplicated on the plus strand (ATCTCAGGCCGGAGGCACAGGAAG on the coding strand, the reverse complement: GPR179 is on the minus strand); duplicating any 24 consecutive bases within chr17:38,328,816-38,328,848 gives the same sequence; the c. name uses the placement nearest the transcript's 3' end. VCF-style (leftmost placement, unchanged base first): chr17-38328815-G-GCTTCCTGTGCCTCCGGCCTGAGAT. GRCh37 (hg19) VCF-style: chr17-36484698-G-GCTTCCTGTGCCTCCGGCCTGAGAT.
Identifiers: ClinVar variation 1902918 (VCV001902918.5), dbSNP rs775367460, ClinGen allele CA290103936.

ClinVar aggregate classification (germline): Uncertain significance (1 of 4 stars; one submission).

Submission:

Labcorp Genetics (formerly Invitae), Labcorp
Classification: Uncertain significance. Last evaluated: 2022-04-07. Review status: criteria provided, single submitter. Criteria: Invitae Variant Classification Sherloc (09022015). Collection method: clinical testing. Allele origin: germline.
Comment: This variant, c.4730_4753dup, results in the insertion of 8 amino acid(s) of the GPR179 protein (p.Asp1577_Glu1584dup), but otherwise preserves the integrity of the reading frame. This variant is present in population databases (rs775367460, gnomAD 0.04%). This variant has not been reported in the literature in individuals affected with GPR179-related conditions. In summary, the available evidence is currently insufficient to determine the role of this variant in disease. Therefore, it has been classified as a Variant of Uncertain Significance.